The following is an entry in ClinVar:

NM_001018116.2(CAVIN4):c.390C>T (p.Phe130=)

Gene: CAVIN4 (caveolae associated protein 4; plus strand). Cytogenetic location: 9q31.1.
Variant type: single nucleotide variant.
Coding change: c.390C>T on transcript NM_001018116.2 (MANE Select); coding-DNA position 390, C replaced by T.
Protein change: p.Phe130=; no amino-acid change (phenylalanine 130 retained).
Molecular consequence: synonymous variant.
Genome position (GRCh38, 1-based): chr9:100,578,533, C>T. VCF-style: chr9-100578533-C-T. GRCh37 (hg19) VCF-style: chr9-103340815-C-T.
Identifiers: ClinVar variation 682199 (VCV000682199.1), dbSNP rs1587865630, ClinGen allele CA466650049.

ClinVar aggregate classification (germline): Likely benign (1 of 4 stars; one submission).

Submission:

GeneDx
Classification: Likely benign. Last evaluated: 2018-04-19. Review status: criteria provided, single submitter. Criteria: GeneDx Variant Classification (06012015). Collection method: clinical testing. Allele origin: germline. Affected: yes.
Comment: This variant is considered likely benign or benign based on one or more of the following criteria: it is a conservative change, it occurs at a poorly conserved position in the protein, it is predicted to be benign by multiple in silico algorithms, and/or has population frequency not consistent with disease.